The following is an entry in ClinVar:

NM_001281775.3(ZMYND8):c.2213G>A (p.Gly738Glu)

Gene: ZMYND8 (zinc finger MYND-type containing 8; minus strand). Cytogenetic location: 20q13.12.
Variant type: single nucleotide variant.
Coding change: c.2213G>A on transcript NM_001281775.3 (MANE Select); coding-DNA position 2213, G replaced by A.
Protein change: p.Gly738Glu; replaces glycine 738 with glutamic acid.
Molecular consequence: missense variant.
Genome position (GRCh38, 1-based): chr20:47,246,079, C>T on the plus strand (G>A on the coding strand, the complement: ZMYND8 is on the minus strand). VCF-style: chr20-47246079-C-T. GRCh37 (hg19) VCF-style: chr20-45874823-C-T.
Other names: c.1409G>A, p.Gly470Glu (NM_001281779.3, NM_001281780.3); c.1997G>A, p.Gly666Glu (NM_001281781.3, NM_001281784.3); c.2138G>A, p.Gly713Glu (NM_001281782.3, NM_001281771.3, NM_001281777.3 and 2 more transcripts); c.2213G>A, p.Gly738Glu (NM_001281783.3, NM_012408.6, NM_001281776.3 and 1 more transcripts); c.2234G>A, p.Gly745Glu (NM_001363714.1); c.2153G>A, p.Gly718Glu (NM_001363741.2, NM_001281772.3, NM_001281773.3 and 1 more transcripts); short protein forms G470E, G666E, G713E, G718E, G738E, G745E.
Identifiers: ClinVar variation 4528102 (VCV004528102.1).

ClinVar aggregate classification (germline): Uncertain significance (1 of 4 stars; one submission).

gnomAD v4.1: 1 of 1,614,052 alleles (0.000062%); highest among the groups gnomAD compares: African/African-American, 0.0013%; no homozygotes.

Submission:

GeneDx
Classification: Uncertain significance. Last evaluated: 2025-05-03. Review status: criteria provided, single submitter. Criteria: GeneDx Variant Classification Process June 2021. Collection method: clinical testing. Allele origin: germline. Affected: yes.
Comment: Not observed at significant frequency in large population cohorts (gnomAD); In silico analysis supports that this missense variant has a deleterious effect on protein structure/function; Has not been previously published as pathogenic or benign to our knowledge